The following is an entry in ClinVar:

NM_033118.4(MYLK2):c.-62C>T

Gene: MYLK2 (myosin light chain kinase 2; plus strand). Cytogenetic location: 20q11.21.
Variant type: single nucleotide variant.
Coding change: c.-62C>T on transcript NM_033118.4 (MANE Select); 62 bases upstream of the start codon, C replaced by T.
Molecular consequence: 5 prime UTR variant.
Genome position (GRCh38, 1-based): chr20:31,819,415, C>T. VCF-style: chr20-31819415-C-T. GRCh37 (hg19) VCF-style: chr20-30407218-C-T.
Identifiers: ClinVar variation 514150 (VCV000514150.1), dbSNP rs1555789794, ClinGen allele CA658799350.

ClinVar aggregate classification (germline): Likely benign (1 of 4 stars; one submission).

Submission:

GeneDx
Classification: Likely benign. Last evaluated: 2017-12-18. Review status: criteria provided, single submitter. Criteria: GeneDx Variant Classification (06012015). Collection method: clinical testing. Allele origin: germline. Affected: yes.
Comment: This variant is considered likely benign or benign based on one or more of the following criteria: it is a conservative change, it occurs at a poorly conserved position in the protein, it is predicted to be benign by multiple in silico algorithms, and/or has population frequency not consistent with disease.